The following is an entry in ClinVar:

NC_000016.9:g.(?_9857006)_(10032428_?)del

Gene: GRIN2A (glutamate ionotropic receptor NMDA type subunit 2A; minus strand). Cytogenetic location: 16p13.2.
Variant type: Deletion.
Identifiers: ClinVar variation 1459339 (VCV001459339.7).

ClinVar aggregate classification (germline): Pathogenic (1 of 4 stars; one submission).

Conditions:
Landau-Kleffner syndrome (FESD). Also called: EPILEPSY, FOCAL, WITH SPEECH DISORDER AND WITH OR WITHOUT MENTAL RETARDATION; APHASIA, ACQUIRED, WITH EPILEPSY. Identifiers: Orphanet 1945, Orphanet 725, Orphanet 98818, MedGen C0282512, MONDO:0009509, OMIM 245570.

Submission:

Labcorp Genetics (formerly Invitae), Labcorp
Classification: Pathogenic for Landau-Kleffner syndrome. Last evaluated: 2023-08-24. Review status: criteria provided, single submitter. Criteria: Invitae Variant Classification Sherloc (09022015). Collection method: clinical testing. Allele origin: germline.
Comment: This variant is a gross deletion of the genomic region encompassing exon(s) 4-14 of the GRIN2A gene, which includes the termination codon. This deletion extends beyond the assayed region for this gene and therefore may encompass additional genes. While this deletion is not anticipated to lead to nonsense mediated decay, it is expected to alter mRNA translation or result in a truncated protein product. A similar copy number variant has been observed in individual(s) with GRIN2A-related conditions (PMID: 24125812, 30544257). This variant disrupts a region of the GRIN2A protein in which other variant(s) (Deletion (Exons 13-14)) have been determined to be pathogenic (PMID: 24372385; Invitae). This suggests that this is a clinically significant region of the protein, and that variants that disrupt it are likely to be disease-causing. For these reasons, this variant has been classified as Pathogenic.

Literature cited by the submitters: PubMed 24125812; PubMed 30544257; PubMed 24372385.